The following is an entry in ClinVar:

NM_031206.7(LAS1L):c.846+5G>C

Gene: LAS1L (LAS1 like ribosome biogenesis factor; minus strand). Cytogenetic location: Xq12.
Variant type: single nucleotide variant.
Coding change: c.846+5G>C on transcript NM_031206.7 (MANE Select); 5 bases into the intron after coding-DNA position 846, G replaced by C.
Molecular consequence: intron variant.
Genome position (GRCh38, 1-based): chrX:65,529,207, C>G on the plus strand (G>C on the coding strand, the complement: LAS1L is on the minus strand). VCF-style: chrX-65529207-C-G. GRCh37 (hg19) VCF-style: chrX-64749087-C-G.
Other names: c.720+5G>C (NM_001170650.2); c.50+5G>C (NM_001375332.1); c.846+5G>C (NM_001375333.1, NM_001170649.2, NM_001375328.1 and 7 more transcripts).
Identifiers: ClinVar variation 1710399 (VCV001710399.3), dbSNP rs2522646241, ClinGen allele CA2580101269.

ClinVar aggregate classification (germline): Uncertain significance (1 of 4 stars; one submission).

Submission:

Greenwood Genetic Center Diagnostic Laboratories, Greenwood Genetic Center
Classification: Uncertain significance. Last evaluated: 2022-09-14. Review status: criteria provided, single submitter. Criteria: ACMG Guidelines, 2015. Collection method: clinical testing. Allele origin: germline. Affected: yes.
Comment: PS2, PM2, BP1, PP3